The following is an entry in ClinVar:

ClinVar aggregate classification (germline): Uncertain significance (1 of 4 stars; one submission).

Conditions:
SYNCRIP-related disorder. Also called: SYNCRIP-related condition.

Submission:

3billion
Classification: Uncertain significance for SYNCRIP-related disorder. Last evaluated: 2026-01-29. Review status: criteria provided, single submitter. Criteria: ACMG Guidelines, 2015. Collection method: clinical testing. Allele origin: germline. Affected: yes.
Comment: The variant is not observed in the gnomAD v4.1.0 dataset. Predicted Consequence/Location: Frameshift: predicted to result in a loss or disruption of normal protein function through nonsense-mediated decay (NMD) or protein truncation. Multiple pathogenic variants are reported downstream of the variant. Therefore, this variant is classified as VUS according to the recommendation of ACMG/AMP guideline.

NM_006372.5(SYNCRIP):c.894del (p.Ala299fs)

Gene: SYNCRIP (synaptotagmin binding cytoplasmic RNA interacting protein; minus strand). Cytogenetic location: 6q14.3.
Variant type: Deletion.
Coding change: c.894del on transcript NM_006372.5 (MANE Select); coding-DNA position 894, one base deleted (A; older notation c.894delA).
Protein change: p.Ala299fs; shifts the reading frame from alanine 299.
Molecular consequence: frameshift variant.
Genome position (GRCh38, 1-based): chr6:85,622,596, T deleted on the plus strand (A on the coding strand, the reverse complement: SYNCRIP is on the minus strand). VCF-style (leftmost placement, unchanged base first): chr6-85622595-CT-C. GRCh37 (hg19) VCF-style: chr6-86332313-CT-C.
Other names: c.600del, p.Ala201fs (NM_001159673.2, NM_001410938.1, NM_001439159.1); c.894del, p.Ala299fs (NM_001159674.2, NM_001159675.2, NM_001159676.2 and 5 more transcripts); c.438del, p.Ala147fs (NM_001253771.2); short protein forms A147fs, A201fs, A299fs.
Identifiers: ClinVar variation 4854056 (VCV004854056.1).